The following is an entry in ClinVar:

ClinVar aggregate classification (germline): Conflicting classifications of pathogenicity. Review status: criteria provided, conflicting classifications (1 of 4 stars). 6 submissions from 6 submitters: Uncertain significance (4); Likely benign (2). Last evaluated 2026-06-26.

Conditions:
Hereditary spastic paraplegia 30. Identifiers: Orphanet 101010, MedGen C5235139, MONDO:0012476.
Inborn genetic diseases. Identifiers: MedGen C0950123, MeSH D030342.
KIF1A-related disorder. Also called: KIF1A-related disorders; KIF1A-related condition.

Allele frequency attached by ClinVar (database versions not stated): gnomAD 0.00094; gnomAD exomes 0.00108 and 0.00245.

Submissions (6):

PreventionGenetics, part of Exact Sciences
Classification: Uncertain significance for KIF1A-related condition. Last evaluated: 2026-06-26. Review status: criteria provided, single submitter. Criteria: ACMG Guidelines, 2015. Collection method: clinical testing. Allele origin: germline.
Comment: The KIF1A c.2754T>G variant is predicted to result in the amino acid substitution p.Asp918Glu. To our knowledge, this variant has not been reported in the literature. This variant is reported in 0.42% of alleles in individuals of Latino descent in gnomAD; however, the quality of this data is questionable and should be treated with caution. Although we suspect that this variant may be benign, at this time, the clinical significance of this variant is uncertain due to the absence of conclusive functional and genetic evidence.

CeGaT Center for Human Genetics Tuebingen
Classification: Uncertain significance. Last evaluated: 2026-02-01. Review status: criteria provided, single submitter. Criteria: CeGaT Center For Human Genetics Tuebingen Variant Classification Criteria Version 2. Collection method: clinical testing. Allele origin: germline. Affected: yes. Observed: 1 variant allele.

Ambry Genetics
Classification: Likely benign for Inborn genetic diseases. Last evaluated: 2023-09-14. Review status: criteria provided, single submitter. Criteria: Ambry Variant Classification Scheme 2023. Collection method: clinical testing. Allele origin: germline.

Blueprint Genetics
Classification: Likely benign. Last evaluated: 2023-06-28. Review status: criteria provided, single submitter. Criteria: ACMG Guidelines, 2015. Collection method: clinical testing. Allele origin: germline.

Mendelics
Classification: Uncertain significance for Spastic paraplegia 30A, autosomal dominant. Last evaluated: 2019-05-28. Review status: criteria provided, single submitter. Criteria: Mendelics Assertion Criteria 2017. Collection method: clinical testing. Allele origin: unknown.

Breakthrough Genomics
Classification: Uncertain significance. Review status: criteria provided, single submitter. Criteria: ACMG Guidelines, 2015. Collection method: not provided. Allele origin: germline. Inheritance: Autosomal recessive inheritance. Affected: yes.

Literature cited by the submitters: PubMed 26350204 (cited by Ambry Genetics).

NM_001244008.2(KIF1A):c.2754T>G (p.Asp918Glu)

Gene: KIF1A (kinesin family member 1A; minus strand). Cytogenetic location: 2q37.3.
Variant type: single nucleotide variant.
Coding change: c.2754T>G on transcript NM_001244008.2 (MANE Select); coding-DNA position 2754, T replaced by G.
Protein change: p.Asp918Glu; replaces aspartic acid 918 with glutamic acid.
Molecular consequence: missense variant. On other transcripts: intron variant (18).
Genome position (GRCh38, 1-based): chr2:240,757,423, A>C on the plus strand (T>G on the coding strand, the complement: KIF1A is on the minus strand). VCF-style: chr2-240757423-A-C. GRCh37 (hg19) VCF-style: chr2-241696840-A-C.
Other names: c.2829T>G, p.Asp943Glu (NM_001379631.1); c.2703T>G, p.Asp901Glu (NM_001379632.1); c.2727T>G, p.Asp909Glu (NM_001379633.1, NM_001379642.1, NM_001379645.1); c.2555+937T>G (NM_001379653.1, NM_001379650.1, NM_001379640.1 and 6 more transcripts); c.2657+937T>G (NM_001379635.1, NM_001330290.2, NM_001379646.1 and 1 more transcripts); c.2630+937T>G (NM_001379637.1, NM_001379648.1); c.2582+937T>G (NM_001320705.2, NM_001379638.1, NM_001330289.2); short protein forms D918E, D901E, D909E, D943E.
Identifiers: ClinVar variation 801917 (VCV000801917.11), dbSNP rs143816642, ClinGen allele CA68169750.